The following is an entry in ClinVar:

ClinVar aggregate classification (germline): Benign/Likely benign. Review status: criteria provided, multiple submitters, no conflicts (2 of 4 stars). 6 submissions from 6 submitters: Benign (4); Likely benign (2). Last evaluated 2026-06-12.

Conditions:
Episodic ataxia type 5. Identifiers: Orphanet 211067, MedGen C1866039, MONDO:0013464, OMIM 613855.

Allele frequency attached by ClinVar (database versions not stated): 1000 Genomes Project 30x 0.00016; gnomAD 0.00019 and 0.00025; 1000 Genomes Project 0.00020; TOPMed 0.00031; ExAC 0.00052; gnomAD exomes 0.00063.
gnomAD v4.1: 527 of 1,602,246 alleles (0.033%); highest among the groups gnomAD compares: Middle Eastern, 0.4%; 4 homozygotes.

Submissions (6):

Women's Health and Genetics/Laboratory Corporation of America, LabCorp
Classification: Benign. Last evaluated: 2026-06-12. Review status: criteria provided, single submitter. Criteria: LabCorp Variant Classification Summary - May 2015. Collection method: clinical testing. Allele origin: germline.
Comment: Variant summary: CACNB4 c.*4T>C is located in the untranslated mRNA region downstream of the termination codon. The variant allele was found at a frequency of 0.00063 in 243964 control chromosomes, predominantly at a frequency of 0.0028 within the South Asian subpopulation in the gnomAD database, including 2 homozygotes. The observed variant frequency within South Asian control individuals in the gnomAD database exceeds the estimated maximal expected allele frequency for disease-causing variants in CACNB4. To our knowledge, no occurrence of c.*4T>C in individuals affected with CACNB4-related conditions and no experimental evidence demonstrating its impact on protein function have been reported. ClinVar contains an entry for this variant (Variation ID: 194343). Based on the evidence outlined above, the variant was classified as benign.

Blueprint Genetics
Classification: Likely benign. Last evaluated: 2024-10-07. Review status: criteria provided, single submitter. Criteria: ACMG Guidelines, 2015. Collection method: clinical testing. Allele origin: germline.

Eurofins Ntd Llc (ga)
Classification: Likely benign. Last evaluated: 2018-01-30. Review status: criteria provided, single submitter. Criteria: EGL Classification Definitions 2015. Collection method: clinical testing. Allele origin: germline. Observed: 2 variant alleles, 2 heterozygotes.

Illumina Laboratory Services, Illumina
Classification: Benign for Episodic ataxia type 5. Last evaluated: 2018-01-13. Review status: criteria provided, single submitter. Criteria: ICSL Variant Classification Criteria 13 December 2019. Collection method: clinical testing. Allele origin: germline.
Comment: This variant was observed in the ICSL laboratory as part of a predisposition screen in an ostensibly healthy population. It had not been previously curated by ICSL or reported in the Human Gene Mutation Database (HGMD: prior to June 1st, 2018), and was therefore a candidate for classification through an automated scoring system. Utilizing variant allele frequency, disease prevalence and penetrance estimates, and inheritance mode, an automated score was calculated to assess if this variant is too frequent to cause the disease. Based on the score and internal cut-off values, a variant classified as benign is not then subjected to further curation. The score for this variant resulted in a classification of benign for this disease.

Athena Diagnostics
Classification: Benign. Last evaluated: 2017-02-10. Review status: criteria provided, single submitter. Criteria: Athena Diagnostics Criteria. Collection method: clinical testing. Allele origin: germline.

GeneDx
Classification: Benign. Last evaluated: 2015-09-02. Review status: criteria provided, single submitter. Criteria: GeneDx Variant Classification (06012015). Collection method: clinical testing. Allele origin: germline. Affected: yes.
Comment: This variant is considered likely benign or benign based on one or more of the following criteria: it is a conservative change, it occurs at a poorly conserved position in the protein, it is predicted to be benign by multiple in silico algorithms, and/or has population frequency not consistent with disease.

NM_000726.5(CACNB4):c.*4T>C

Gene: CACNB4 (calcium voltage-gated channel auxiliary subunit beta 4; minus strand). Cytogenetic location: 2q23.3.
Variant type: single nucleotide variant.
Coding change: c.*4T>C on transcript NM_000726.5 (MANE Select); 4 bases downstream of the stop codon, T replaced by C.
Molecular consequence: 3 prime UTR variant.
Genome position (GRCh38, 1-based): chr2:151,839,115, A>G on the plus strand (T>C on the coding strand, the complement: CACNB4 is on the minus strand). VCF-style: chr2-151839115-A-G. GRCh37 (hg19) VCF-style: chr2-152695629-A-G.
Other names: c.*4T>C (NM_001005746.4, NM_001005747.4, NM_001145798.3 and 7 more transcripts).
Identifiers: ClinVar variation 194343 (VCV000194343.12), dbSNP rs556761275, ClinGen allele CA240262.